The following is an entry in ClinVar:

ClinVar aggregate classification (germline): Uncertain significance (1 of 4 stars; one submission).

Conditions:
Epilepsy, progressive myoclonic, 1B. Also called: PME. Identifiers: Orphanet 308, MedGen C2676254, MONDO:0012904, OMIM 612437.

Submission:

Labcorp Genetics (formerly Invitae), Labcorp
Classification: Uncertain significance for Epilepsy, progressive myoclonic, 1B. Last evaluated: 2019-07-16. Review status: criteria provided, single submitter. Criteria: Invitae Variant Classification Sherloc (09022015). Collection method: clinical testing. Allele origin: germline.
Comment: This variant has not been reported in the literature in individuals with PRICKLE1-related conditions. This variant is not present in population databases (ExAC no frequency). This sequence change results in a premature translational stop signal in the PRICKLE1 gene (p.Asn662Argfs*14). While this is not anticipated to result in nonsense mediated decay, it is expected to disrupt the last 170 amino acids of the PRICKLE1 protein. Experimental studies and prediction algorithms are not available or were not evaluated for this variant, and the functional significance of the affected amino acid(s) is currently unknown. In summary, the available evidence is currently insufficient to determine the role of this variant in disease. Therefore, it has been classified as a Variant of Uncertain Significance.

NM_153026.3(PRICKLE1):c.1985_1996delinsG (p.Asn662fs)

Gene: PRICKLE1 (prickle planar cell polarity protein 1; minus strand). Cytogenetic location: 12q12.
Variant type: Indel.
Coding change: c.1985_1996delinsG on transcript NM_153026.3 (MANE Select); coding-DNA positions 1985 to 1996, ATTTTGAAGAGA replaced by G.
Protein change: p.Asn662fs; shifts the reading frame from asparagine 662.
Molecular consequence: frameshift variant.
Genome position (GRCh38, 1-based): chr12:42,460,309-42,460,320, TCTCTTCAAAAT replaced by C on the plus strand (ATTTTGAAGAGA replaced by G on the coding strand, the reverse complement: PRICKLE1 is on the minus strand). VCF-style: chr12-42460309-TCTCTTCAAAAT-C. GRCh37 (hg19) VCF-style: chr12-42854111-TCTCTTCAAAAT-C.
Other names: c.1985_1996delinsG, p.Asn662fs (NM_001144881.2, NM_001144882.2, NM_001144883.2); short protein forms N662fs.
Identifiers: ClinVar variation 970481 (VCV000970481.6), dbSNP rs1937772079, ClinGen allele CA1139662601.